The following is an entry in ClinVar:

ClinVar aggregate classification (germline): Benign/Likely benign. Review status: criteria provided, multiple submitters, no conflicts (2 of 4 stars). 5 submissions from 5 submitters: Benign (1); Likely benign (3). 1 of the submissions does not count toward it. Last evaluated 2025-12-20.

Conditions:
MYO3A-related disorder. Also called: MYO3A-related condition.

Allele frequency attached by ClinVar (database versions not stated): gnomAD exomes 0.00011 and 0.00026; ExAC 0.00029; ESP Exome Variant Server 0.00077; gnomAD 0.00100 and 0.00111; TOPMed 0.00108; 1000 Genomes Project 0.00120; 1000 Genomes Project 30x 0.00125.
gnomAD v4.1: 315 of 1,604,738 alleles (0.02%); highest among the groups gnomAD compares: African/African-American, 0.38%; no homozygotes.

Submissions (5):

Labcorp Genetics (formerly Invitae), Labcorp
Classification: Benign. Last evaluated: 2025-12-20. Review status: criteria provided, single submitter. Criteria: Invitae Variant Classification Sherloc (09022015). Collection method: clinical testing. Allele origin: germline.

Blueprint Genetics
Classification: Likely benign. Last evaluated: 2024-04-16. Review status: criteria provided, single submitter. Criteria: ACMG Guidelines, 2015. Collection method: clinical testing. Allele origin: germline.

GeneDx
Classification: Likely benign. Last evaluated: 2020-06-30. Review status: criteria provided, single submitter. Criteria: GeneDx Variant Classification Process June 2021. Collection method: clinical testing. Allele origin: germline. Affected: yes.

Laboratory for Molecular Medicine, Mass General Brigham Personalized Medicine
Classification: Likely benign. Last evaluated: 2016-02-02. Review status: criteria provided, single submitter. Criteria: LMM Criteria. Collection method: clinical testing. Allele origin: germline. Observed: 1 variant allele.
Comment: p.Gly522Gly in Exon 16 of MYO3A: This variant is not expected to have clinical s ignificance because it does not alter an amino acid residue and is not located w ithin the splice consensus sequence. It has been identified in 0.3% (31/9280) of African chromosomes by the Exome Aggregation Consortium (ExAC; dbSNP rs139121564).

PreventionGenetics, part of Exact Sciences
Classification: Likely benign for MYO3A-related condition. Last evaluated: 2019-05-23. Review status: no assertion criteria provided. Collection method: clinical testing. Allele origin: germline. Not counted in ClinVar's aggregate classification.
Comment: This variant is classified as likely benign based on ACMG/AMP sequence variant interpretation guidelines (Richards et al. 2015 PMID: 25741868, with internal and published modifications).

NM_017433.5(MYO3A):c.1566A>C (p.Gly522=)

Gene: MYO3A (myosin IIIA; plus strand). Cytogenetic location: 10p12.1.
Variant type: single nucleotide variant.
Coding change: c.1566A>C on transcript NM_017433.5 (MANE Select); coding-DNA position 1566, A replaced by C.
Protein change: p.Gly522=; no amino-acid change (glycine 522 retained).
Molecular consequence: synonymous variant.
Genome position (GRCh38, 1-based): chr10:26,096,384, A>C. VCF-style: chr10-26096384-A-C. GRCh37 (hg19) VCF-style: chr10-26385313-A-C.
Identifiers: ClinVar variation 227663 (VCV000227663.15), dbSNP rs139121564, ClinGen allele CA5444714.
Genomic context (GRCh38, chr10:26,096,384, plus strand): 5'-AACTTAAGCAAGAAATGTTCTTACTAACTACCTTACTGTAAATATCTTTTTTTCCAGTGG[A>C]GAAAAAAATTTTCATATTTTTTACTACATTTATGCTGGTTTGGCTGAAAAGAAGAAACTA-3'
Protein context (NP_059129.3, residues 512-532): EKSRVIHQAI[Gly522=]EKNFHIFYYI